The following is an entry in ClinVar:

ClinVar aggregate classification (germline): Likely benign (0 of 4 stars; one submission).

Conditions:
CEP112-related disorder. Also called: CEP112-related condition.

Allele frequency attached by ClinVar (database versions not stated): ExAC 0.00039; gnomAD 0.00095; TOPMed 0.00113; ESP Exome Variant Server 0.00138; 1000 Genomes Project 30x 0.00234; 1000 Genomes Project 0.00240.
gnomAD v4.1: 314 of 1,612,344 alleles (0.019%); highest among the groups gnomAD compares: African/African-American, 0.35%; no homozygotes.

Submission:

PreventionGenetics, part of Exact Sciences
Classification: Likely benign for CEP112-related condition. Last evaluated: 2022-02-18. Review status: no assertion criteria provided. Collection method: clinical testing. Allele origin: germline.
Comment: This variant is classified as likely benign based on ACMG/AMP sequence variant interpretation guidelines (Richards et al. 2015 PMID: 25741868, with internal and published modifications).

NM_001199165.4(CEP112):c.1985T>C (p.Val662Ala)

Gene: CEP112 (centrosomal protein 112; minus strand). Cytogenetic location: 17q24.1.
Variant type: single nucleotide variant.
Coding change: c.1985T>C on transcript NM_001199165.4 (MANE Select); coding-DNA position 1985, T replaced by C.
Protein change: p.Val662Ala; replaces valine 662 with alanine.
Molecular consequence: missense variant.
Genome position (GRCh38, 1-based): chr17:65,902,330, A>G on the plus strand (T>C on the coding strand, the complement: CEP112 is on the minus strand). VCF-style: chr17-65902330-A-G. GRCh37 (hg19) VCF-style: chr17-63898448-A-G.
Other names: c.1859T>C, p.Val620Ala (NM_001302891.3, NM_001353128.2); c.1985T>C, p.Val662Ala (NM_001353127.2); c.1988T>C, p.Val663Ala (NM_001353129.2); short protein forms V620A, V662A, V663A.
Identifiers: ClinVar variation 3049214 (VCV003049214.2), dbSNP rs144307988, ClinGen allele CA8719484.